The following is an entry in ClinVar:

NC_012920.1(MT-ND4):m.12083T>G

Gene: MT-ND4 (mitochondrially encoded NADH dehydrogenase 4; plus strand).
Variant type: single nucleotide variant.
Genome position: chrM-12083-T-G.
Identifiers: ClinVar variation 693409 (VCV000693409.1), dbSNP rs1556424049, ClinGen allele CA414812422.

ClinVar aggregate classification (germline): Benign (1 of 4 stars; one submission).

Conditions:
Leigh syndrome (NULS). Also called: Leigh's necrotizing encephalopathy; Leigh's disease; Leigh Syndrome (mtDNA deletion); Leigh Disease; Subacute necrotizing encephalopathy; Necrotizing encephalopathy infantile subacute of Leigh. Identifiers: Orphanet 506, MedGen C2931891, MONDO:0009723, OMIM 256000.

Submission:

Wong Mito Lab, Molecular and Human Genetics, Baylor College of Medicine
Classification: Benign for Leigh syndrome. Last evaluated: 2019-10-17. Review status: criteria provided, single submitter. Criteria: Modified ACMG Guidelines (Unpublished). Collection method: clinical testing. Allele origin: germline.
Comment: The NC_012920.1:m.12083T>G (YP_003024035.1:p.Ser442Ala) variant in MTND4 gene is interpretated to be a Benign variant based on the modified ACMG guidelines (unpublished). This variant meets the following evidence codes: BS1, BS2, BP4